The following is an entry in ClinVar:

NM_001845.6(COL4A1):c.3378T>A (p.Asp1126Glu)

Gene: COL4A1 (collagen type IV alpha 1 chain; minus strand). Cytogenetic location: 13q34.
Variant type: single nucleotide variant.
Coding change: c.3378T>A on transcript NM_001845.6 (MANE Select); coding-DNA position 3378, T replaced by A.
Protein change: p.Asp1126Glu; replaces aspartic acid 1126 with glutamic acid.
Molecular consequence: missense variant.
Genome position (GRCh38, 1-based): chr13:110,174,474, A>T on the plus strand (T>A on the coding strand, the complement: COL4A1 is on the minus strand). VCF-style: chr13-110174474-A-T. GRCh37 (hg19) VCF-style: chr13-110826821-A-T.
Other names: c.3378T>A (NM_001845.4); short protein forms D1126E.
Identifiers: ClinVar variation 2643939 (VCV002643939.28), dbSNP rs1010708250, ClinGen allele CA388664373.

ClinVar aggregate classification (germline): Uncertain significance. Review status: criteria provided, multiple submitters, no conflicts (2 of 4 stars). 3 submissions from 3 submitters: Uncertain significance (3). Last evaluated 2024-10-07.

Allele frequency attached by ClinVar (database versions not stated): gnomAD 0.00001.
gnomAD v4.1: 5 of 1,614,040 alleles (0.00031%); highest among the groups gnomAD compares: Non-Finnish European, 0.00042%; no homozygotes.

Submissions (3):

GeneDx
Classification: Uncertain significance. Last evaluated: 2024-10-07. Review status: criteria provided, single submitter. Criteria: GeneDx Variant Classification Process June 2021. Collection method: clinical testing. Allele origin: germline. Affected: yes.
Comment: Not observed at significant frequency in large population cohorts (gnomAD); In silico analysis indicates that this missense variant does not alter protein structure/function; Has not been previously published as pathogenic or benign to our knowledge; Occurs in the triple helical domain at the Y position in the canonical Gly-X-Y repeat; although this variant may have an effect on normal protein folding and function, missense substitution at the Y position is not a common mechanism of disease

Labcorp Genetics (formerly Invitae), Labcorp
Classification: Uncertain significance. Last evaluated: 2023-08-11. Review status: criteria provided, single submitter. Criteria: Invitae Variant Classification Sherloc (09022015). Collection method: clinical testing. Allele origin: germline.
Comment: An algorithm developed to predict the effect of missense changes on protein structure and function (PolyPhen-2) suggests that this variant is likely to be tolerated. This variant has not been reported in the literature in individuals affected with COL4A1-related conditions. This variant is not present in population databases (gnomAD no frequency). This sequence change replaces aspartic acid, which is acidic and polar, with glutamic acid, which is acidic and polar, at codon 1126 of the COL4A1 protein (p.Asp1126Glu). In summary, the available evidence is currently insufficient to determine the role of this variant in disease. Therefore, it has been classified as a Variant of Uncertain Significance.

CeGaT Center for Human Genetics Tuebingen
Classification: Uncertain significance. Last evaluated: 2022-10-01. Review status: criteria provided, single submitter. Criteria: CeGaT Center For Human Genetics Tuebingen Variant Classification Criteria Version 2. Collection method: clinical testing. Allele origin: germline. Affected: yes. Observed: 1 variant allele.
Comment: COL4A1: PM2